The following is an entry in ClinVar:

NM_145239.3(PRRT2):c.-25G>C

Genes: MVP-DT (MVP divergent transcript; minus strand), PRRT2 (proline rich transmembrane protein 2; plus strand). Cytogenetic location: 16p11.2.
Variant type: single nucleotide variant.
Coding change: c.-25G>C on transcript NM_145239.3 (MANE Select); 25 bases upstream of the start codon, G replaced by C.
Molecular consequence: 5 prime UTR variant.
Genome position (GRCh38, 1-based): chr16:29,813,030, G>C. VCF-style: chr16-29813030-G-C. GRCh37 (hg19) VCF-style: chr16-29824351-G-C.
Other names: c.-25G>C (NM_001256442.2, NM_001256443.2).
Identifiers: ClinVar variation 388917 (VCV000388917.1), dbSNP rs767022699, ClinGen allele CA7994452.
Genomic context (GRCh38, chr16:29,813,030, plus strand): 5'-CCTATCTCCTCCTCTTCCAGGGTTTGCCGCTGTCTCTGCTATTCCATCCTCCCCATAGGG[G>C]CTCTCTCCCCTCTCCCATCTCAAGATGGCAGCCAGCAGCTCTGAGATCTCTGAGATGAAG-3'

ClinVar aggregate classification (germline): Likely benign (1 of 4 stars; one submission).

Allele frequency attached by ClinVar (database versions not stated): TOPMed 0.00001; gnomAD 0.00001; gnomAD exomes 0.00001; ExAC 0.00002.
gnomAD v4.1: 6 of 1,570,550 alleles (0.00038%); highest among the groups gnomAD compares: Admixed American, 0.0094%; no homozygotes.

Submission:

GeneDx
Classification: Likely benign. Last evaluated: 2016-08-31. Review status: criteria provided, single submitter. Criteria: GeneDx Variant Classification (06012015). Collection method: clinical testing. Allele origin: germline. Affected: yes.
Comment: This variant is considered likely benign or benign based on one or more of the following criteria: it is a conservative change, it occurs at a poorly conserved position in the protein, it is predicted to be benign by multiple in silico algorithms, and/or has population frequency not consistent with disease.